The following is an entry in ClinVar:

NM_001378418.1(TCF20):c.5387G>A (p.Gly1796Asp)

Gene: TCF20 (transcription factor 20; minus strand). Cytogenetic location: 22q13.2.
Variant type: single nucleotide variant.
Coding change: c.5387G>A on transcript NM_001378418.1 (MANE Select); coding-DNA position 5387, G replaced by A.
Protein change: p.Gly1796Asp; replaces glycine 1796 with aspartic acid.
Molecular consequence: missense variant.
Genome position (GRCh38, 1-based): chr22:42,209,919, C>T on the plus strand (G>A on the coding strand, the complement: TCF20 is on the minus strand). VCF-style: chr22-42209919-C-T. GRCh37 (hg19) VCF-style: chr22-42605925-C-T.
Other names: c.5387G>A, p.Gly1796Asp (NM_005650.4, NM_181492.3); short protein forms G1796D.
Identifiers: ClinVar variation 978454 (VCV000978454.4), dbSNP rs1162226188, ClinGen allele CA411781538.
Genomic context (GRCh38, chr22:42,209,919, plus strand): 5'-CTGCCCTCAGTGGCTGCTTTTTTACAAGGGAGCCCCCTGGACAGGGACCGAGGGCCTCCA[C>T]CACAGTCTTCCGAGCGGTGGCGCCGCTTAAACCTGGGGTGTGCGGCCAGGCTTCTCTGCT-3'
Protein context (NP_001365347.1, residues 1786-1806): FKRRHRSEDC[Gly1796Asp]GGPRSLSRGL

ClinVar aggregate classification (germline): Uncertain significance. Review status: criteria provided, multiple submitters, no conflicts (2 of 4 stars). 2 submissions from 2 submitters: Uncertain significance (2). Last evaluated 2025-05-05.

Conditions:
Developmental delay with variable intellectual impairment and behavioral abnormalities. Identifiers: MedGen C5193092, MONDO:0032745, OMIM 618430.

Allele frequency attached by ClinVar (database versions not stated): TOPMed 0.00002; gnomAD exomes below 0.00001.
gnomAD v4.1: 2 of 1,614,196 alleles (0.00012%); highest among the groups gnomAD compares: Admixed American, 0.0033%; no homozygotes.

Submissions (2):

Labcorp Genetics (formerly Invitae), Labcorp
Classification: Uncertain significance. Last evaluated: 2025-05-05. Review status: criteria provided, single submitter. Criteria: Invitae Variant Classification Sherloc (09022015). Collection method: clinical testing. Allele origin: germline.
Comment: This sequence change replaces glycine, which is neutral and non-polar, with aspartic acid, which is acidic and polar, at codon 1796 of the TCF20 protein (p.Gly1796Asp). This variant is present in population databases (no rsID available, gnomAD 0.003%). This variant has not been reported in the literature in individuals affected with TCF20-related conditions. ClinVar contains an entry for this variant (Variation ID: 978454). An algorithm developed to predict the effect of missense changes on protein structure and function (PolyPhen-2) suggests that this variant is likely to be tolerated. In summary, the available evidence is currently insufficient to determine the role of this variant in disease. Therefore, it has been classified as a Variant of Uncertain Significance.

Johns Hopkins Genomics, Johns Hopkins University
Classification: Uncertain significance for Developmental delay with variable intellectual impairment and behavioral abnormalities. Last evaluated: 2019-12-06. Review status: criteria provided, single submitter. Criteria: ACMG Guidelines, 2015. Collection method: clinical testing. Allele origin: germline.
Comment: TCF20 c.5387G>A has not been reported in ClinVar nor the literature, to our knowledge. This variant (rs1162226188) is rare (<0.1%) in a large population dataset (gnomAD: 1/250930 total alleles; 0.0003985%; no homozygotes). Of three bioinformatics tools queried, one predicts that the substitution would be damaging, while two predict that it would be tolerated. Additionally, the glycine residue at this position is not evolutionarily well conserved across the species assessed. Bioinformatic analysis predicts that this missense variant would not affect normal exon 1 splicing, although this has not been confirmed experimentally to our knowledge. Due to insufficient evidence that this variant is deleterious, we consider the clinical significance of c.5387G>A to be uncertain at this time.